The following is an entry in ClinVar:

NM_001329943.3(KIAA0586):c.1574C>G (p.Ser525Cys)

Gene: KIAA0586 (KIAA0586; plus strand). Cytogenetic location: 14q23.1.
Variant type: single nucleotide variant.
Coding change: c.1574C>G on transcript NM_001329943.3 (MANE Select); coding-DNA position 1574, C replaced by G.
Protein change: p.Ser525Cys; replaces serine 525 with cysteine.
Molecular consequence: missense variant.
Genome position (GRCh38, 1-based): chr14:58,457,970, C>G. VCF-style: chr14-58457970-C-G. GRCh37 (hg19) VCF-style: chr14-58924688-C-G.
Other names: c.1733C>G, p.Ser578Cys (NM_001244189.2); c.1529C>G, p.Ser510Cys (NM_001244190.2); c.1319C>G, p.Ser440Cys (NM_001244191.2, NM_001329945.2, NM_001364700.1 and 1 more transcripts); c.1442C>G, p.Ser481Cys (NM_001244192.2); c.1154C>G, p.Ser385Cys (NM_001244193.2); c.1574C>G, p.Ser525Cys (NM_001329944.2, NM_001329946.2, NM_001329947.2 and 1 more transcripts); short protein forms S385C, S440C, S510C, S578C, S481C, S525C.
Identifiers: ClinVar variation 1378278 (VCV001378278.6), dbSNP rs1173352052, ClinGen allele CA389869008.

ClinVar aggregate classification (germline): Uncertain significance (1 of 4 stars; one submission).

Conditions:
Joubert syndrome 23 (JBTS23). Identifiers: Orphanet 475, MedGen C4084822, MONDO:0014664, OMIM 616490.
Short-rib thoracic dysplasia 14 with polydactyly (SRTD14). Identifiers: Orphanet 397715, MedGen C4225286, MONDO:0014688, OMIM 616546.

Allele frequency attached by ClinVar (database versions not stated): gnomAD exomes below 0.00001 and 0.00001.
gnomAD v4.1: 5 of 1,584,138 alleles (0.00032%); highest among the groups gnomAD compares: Admixed American, 0.0036%; no homozygotes.

Submission:

Labcorp Genetics (formerly Invitae), Labcorp
Classification: Uncertain significance for Joubert syndrome 23; Short-rib thoracic dysplasia 14 with polydactyly. Last evaluated: 2024-10-26. Review status: criteria provided, single submitter. Criteria: Invitae Variant Classification Sherloc (09022015). Collection method: clinical testing. Allele origin: germline.
Comment: This sequence change replaces serine, which is neutral and polar, with cysteine, which is neutral and slightly polar, at codon 578 of the KIAA0586 protein (p.Ser578Cys). The frequency data for this variant in the population databases is considered unreliable, as metrics indicate poor data quality at this position in the gnomAD database. This variant has not been reported in the literature in individuals affected with KIAA0586-related conditions. ClinVar contains an entry for this variant (Variation ID: 1378278). Invitae Evidence Modeling of protein sequence and biophysical properties (such as structural, functional, and spatial information, amino acid conservation, physicochemical variation, residue mobility, and thermodynamic stability) has been performed for this missense variant. However, the output from this modeling did not meet the statistical confidence thresholds required to predict the impact of this variant on KIAA0586 protein function. In summary, the available evidence is currently insufficient to determine the role of this variant in disease. Therefore, it has been classified as a Variant of Uncertain Significance.